The following is an entry in ClinVar:

NM_022124.6(CDH23):c.8829G>A (p.Thr2943=)

Gene: CDH23 (cadherin related 23; plus strand). Cytogenetic location: 10q22.1.
Variant type: single nucleotide variant.
Coding change: c.8829G>A on transcript NM_022124.6 (MANE Select); coding-DNA position 8829, G replaced by A.
Protein change: p.Thr2943=; no amino-acid change (threonine 2943 retained).
Molecular consequence: synonymous variant.
Genome position (GRCh38, 1-based): chr10:71,809,926, G>A. VCF-style: chr10-71809926-G-A. GRCh37 (hg19) VCF-style: chr10-73569683-G-A.
Other names: c.2109G>A, p.Thr703= (NM_001171933.1, NM_001171934.1).
Identifiers: ClinVar variation 46055 (VCV000046055.12), dbSNP rs369023265, ClinGen allele CA137607.
Genomic context (GRCh38, chr10:71,809,926, plus strand): 5'-CAGCCCCGGCTACTTCGTGGTGGACATTGTGGCCCGAGACCTGGCAGGCCACAACGACAC[G>A]GCCATCATCGGCATCTACATCCTGAGGGACGACCAGCGCGTCAAGATCGTCATTAACGAG-3'
Protein context (NP_071407.4, residues 2933-2953): VARDLAGHND[Thr2943=]AIIGIYILRD

ClinVar aggregate classification (germline): Likely benign. Review status: criteria provided, multiple submitters, no conflicts (2 of 4 stars). 2 submissions from 2 submitters: Likely benign (2). Last evaluated 2025-12-27.

Allele frequency attached by ClinVar (database versions not stated): gnomAD exomes 0.00001 and 0.00002; ExAC 0.00002; gnomAD 0.00007 and 0.00009; ESP Exome Variant Server 0.00008; TOPMed 0.00009.
gnomAD v4.1: 31 of 1,612,708 alleles (0.0019%); highest among the groups gnomAD compares: African/African-American, 0.025%; 1 homozygote.

Submissions (2):

Labcorp Genetics (formerly Invitae), Labcorp
Classification: Likely benign. Last evaluated: 2025-12-27. Review status: criteria provided, single submitter. Criteria: Invitae Variant Classification Sherloc (09022015). Collection method: clinical testing. Allele origin: germline.

Laboratory for Molecular Medicine, Mass General Brigham Personalized Medicine
Classification: Likely benign. Last evaluated: 2012-07-12. Review status: criteria provided, single submitter. Criteria: LMM Criteria. Collection method: clinical testing. Allele origin: germline. Observed: 1 variant allele.
Comment: This variant is not likely to have clinical significance because it does not alt er an amino acid residue and is not located within the splice consensus sequence .